The following is an entry in ClinVar:

NM_198253.3(TERT):c.1486T>A (p.Ser496Thr)

Gene: TERT (telomerase reverse transcriptase; minus strand). Cytogenetic location: 5p15.33.
Variant type: single nucleotide variant.
Coding change: c.1486T>A on transcript NM_198253.3 (MANE Select); coding-DNA position 1486, T replaced by A.
Protein change: p.Ser496Thr; replaces serine 496 with threonine.
Molecular consequence: missense variant. On other transcripts: non-coding transcript variant (2).
Genome position (GRCh38, 1-based): chr5:1,293,400, A>T on the plus strand (T>A on the coding strand, the complement: TERT is on the minus strand). VCF-style: chr5-1293400-A-T. GRCh37 (hg19) VCF-style: chr5-1293515-A-T.
Other names: c.1486T>A, p.Ser496Thr (NM_001193376.3); short protein forms S496T.
Identifiers: ClinVar variation 1396640 (VCV001396640.7), dbSNP rs1751117262, ClinGen allele CA359085376.

ClinVar aggregate classification (germline): Uncertain significance. Review status: criteria provided, multiple submitters, no conflicts (2 of 4 stars). 2 submissions from 2 submitters: Uncertain significance (2). Last evaluated 2022-01-07.

Conditions:
Idiopathic Pulmonary Fibrosis. Also called: Idiopathic fibrosing alveolitis, chronic form; idiopathic fibrosing alveolitis. Identifiers: Orphanet 2032, MedGen C1800706, MeSH D054990, MONDO:0800504.
Dyskeratosis congenita, autosomal dominant 2. Identifiers: MedGen C3151443, MONDO:0013521, OMIM 613989.
Dyskeratosis congenita. Identifiers: Orphanet 1775, MedGen C0265965, MONDO:0015780.

Allele frequency attached by ClinVar (database versions not stated): TOPMed below 0.00001; gnomAD exomes 0.00001.
gnomAD v4.1: 9 of 1,613,240 alleles (0.00056%); highest among the groups gnomAD compares: Non-Finnish European, 0.00076%; no homozygotes.

Submissions (2):

Ambry Genetics
Classification: Uncertain significance for Dyskeratosis congenita. Last evaluated: 2022-01-07. Review status: criteria provided, single submitter. Criteria: Ambry Variant Classification Scheme 2023. Collection method: clinical testing. Allele origin: germline.
Comment: The p.S496T variant (also known as c.1486T>A), located in coding exon 2 of the TERT gene, results from a T to A substitution at nucleotide position 1486. The serine at codon 496 is replaced by threonine, an amino acid with similar properties. This amino acid position is conserved. In addition, this alteration is predicted to be tolerated by in silico analysis. Since supporting evidence is limited at this time, the clinical significance of this alteration remains unclear.

Labcorp Genetics (formerly Invitae), Labcorp
Classification: Uncertain significance for Dyskeratosis congenita, autosomal dominant 2; Idiopathic Pulmonary Fibrosis. Last evaluated: 2021-08-27. Review status: criteria provided, single submitter. Criteria: Invitae Variant Classification Sherloc (09022015). Collection method: clinical testing. Allele origin: germline.
Comment: This sequence change replaces serine with threonine at codon 496 of the TERT protein (p.Ser496Thr). The serine residue is moderately conserved and there is a small physicochemical difference between serine and threonine. This variant is not present in population databases (ExAC no frequency). This variant has not been reported in the literature in individuals affected with TERT-related conditions. Algorithms developed to predict the effect of missense changes on protein structure and function output the following: SIFT: "Tolerated"; PolyPhen-2: "Possibly Damaging"; Align-GVGD: "Class C0". The threonine amino acid residue is found in multiple mammalian species, which suggests that this missense change does not adversely affect protein function. In summary, the available evidence is currently insufficient to determine the role of this variant in disease. Therefore, it has been classified as a Variant of Uncertain Significance.